The following is an entry in ClinVar:

ClinVar aggregate classification (germline): Likely pathogenic (1 of 4 stars; one submission).

Submission:

Labcorp Genetics (formerly Invitae), Labcorp
Classification: Likely pathogenic. Last evaluated: 2023-08-02. Review status: criteria provided, single submitter. Criteria: Invitae Variant Classification Sherloc (09022015). Collection method: clinical testing. Allele origin: germline.
Comment: This sequence change replaces glycine, which is neutral and non-polar, with arginine, which is basic and polar, at codon 73 of the MLC1 protein (p.Gly73Arg). This variant is not present in population databases (gnomAD no frequency). In summary, the currently available evidence indicates that the variant is pathogenic, but additional data are needed to prove that conclusively. Therefore, this variant has been classified as Likely Pathogenic. This variant disrupts the p.Gly73 amino acid residue in MLC1. Other variant(s) that disrupt this residue have been determined to be pathogenic (PMID: 21160490, 27322623). This suggests that this residue is clinically significant, and that variants that disrupt this residue are likely to be disease-causing. Advanced modeling of protein sequence and biophysical properties (such as structural, functional, and spatial information, amino acid conservation, physicochemical variation, residue mobility, and thermodynamic stability) performed at Invitae indicates that this missense variant is not expected to disrupt MLC1 protein function. This missense change has been observed in individual(s) with megalencephalic leukoencephalopathy with subcortical cysts (PMID: 25919557). In at least one individual the data is consistent with being in trans (on the opposite chromosome) from a pathogenic variant.

Literature cited by the submitters: PubMed 21160490; PubMed 27322623; PubMed 25919557.

NM_015166.4(MLC1):c.217G>A (p.Gly73Arg)

Genes: MLC1 (modulator of VRAC current 1; minus strand), LOC125446261 (Sharpr-MPRA regulatory region 9327; plus strand). Cytogenetic location: 22q13.33.
Variant type: single nucleotide variant.
Coding change: c.217G>A on transcript NM_015166.4 (MANE Select); coding-DNA position 217, G replaced by A.
Protein change: p.Gly73Arg; replaces glycine 73 with arginine.
Molecular consequence: missense variant. On other transcripts: 5 prime UTR variant (1), non-coding transcript variant (3), intron variant (1).
Genome position (GRCh38, 1-based): chr22:50,083,134, C>T on the plus strand (G>A on the coding strand, the complement: MLC1 is on the minus strand). VCF-style: chr22-50083134-C-T. GRCh37 (hg19) VCF-style: chr22-50521563-C-T.
Other names: c.217G>A, p.Gly73Arg (NM_001376472.1, NM_001376473.1, NM_001376474.1 and 9 more transcripts); c.-21G>A (NM_001376484.1); c.177+1592G>A (NM_001376480.1); short protein forms G73R.
Identifiers: ClinVar variation 2737056 (VCV002737056.3), dbSNP rs1729986593, ClinGen allele CA412111631.